The following is an entry in ClinVar:

ClinVar aggregate classification (germline): Uncertain significance. Review status: criteria provided, multiple submitters, no conflicts (2 of 4 stars). 2 submissions from 2 submitters: Uncertain significance (2). Last evaluated 2024-11-24.

Conditions:
COG5-congenital disorder of glycosylation. Also called: CDG IIi; COG5-CDG; CONGENITAL DISORDER OF GLYCOSYLATION, TYPE IIi. Identifiers: Orphanet 263487, MedGen C3150876, MONDO:0013325, OMIM 613612.
Inborn genetic diseases. Identifiers: MedGen C0950123, MeSH D030342.

Allele frequency attached by ClinVar (database versions not stated): gnomAD exomes 0.00001 and 0.00002; TOPMed 0.00006; ExAC 0.00007; gnomAD 0.00012; ESP Exome Variant Server 0.00015; 1000 Genomes Project 30x 0.00016; 1000 Genomes Project 0.00020.
gnomAD v4.1: 34 of 1,599,552 alleles (0.0021%); highest among the groups gnomAD compares: African/African-American, 0.043%; no homozygotes.

Submissions (3):

Ambry Genetics
Classification: Uncertain significance for Inborn genetic diseases. Last evaluated: 2024-11-24. Review status: criteria provided, single submitter. Criteria: Ambry Variant Classification Scheme 2023. Collection method: clinical testing. Allele origin: germline.

Labcorp Genetics (formerly Invitae), Labcorp
Classification: Uncertain significance for COG5-congenital disorder of glycosylation. Last evaluated: 2022-08-06. Review status: criteria provided, single submitter. Criteria: Invitae Variant Classification Sherloc (09022015). Collection method: clinical testing. Allele origin: germline.
Comment: This sequence change replaces alanine, which is neutral and non-polar, with serine, which is neutral and polar, at codon 798 of the COG5 protein (p.Ala798Ser). The frequency data for this variant in the population databases is considered unreliable, as metrics indicate poor data quality at this position in the gnomAD database. This variant has not been reported in the literature in individuals affected with COG5-related conditions. ClinVar contains an entry for this variant (Variation ID: 1438818). Algorithms developed to predict the effect of missense changes on protein structure and function are either unavailable or do not agree on the potential impact of this missense change (SIFT: "Deleterious"; PolyPhen-2: "Possibly Damaging"; Align-GVGD: "Class C0"). Algorithms developed to predict the effect of sequence changes on RNA splicing suggest that this variant may create or strengthen a splice site. In summary, the available evidence is currently insufficient to determine the role of this variant in disease. Therefore, it has been classified as a Variant of Uncertain Significance.

Dr. Peter K. Rogan Lab, Western University
No classification provided (evidence only). Condition: Hepatocellular carcinoma. Review status: no classification provided. Collection method: in vitro. Allele origin: not applicable. Functional consequence: retained intron. Not counted in ClinVar's aggregate classification.

NM_006348.5(COG5):c.2299G>T (p.Ala767Ser)

Gene: COG5 (component of oligomeric golgi complex 5; minus strand). Cytogenetic location: 7q22.3.
Variant type: single nucleotide variant.
Coding change: c.2299G>T on transcript NM_006348.5 (MANE Select); coding-DNA position 2299, G replaced by T.
Protein change: p.Ala767Ser; replaces alanine 767 with serine.
Molecular consequence: missense variant. On other transcripts: intron variant (1).
Genome position (GRCh38, 1-based): chr7:107,210,602, C>A on the plus strand (G>T on the coding strand, the complement: COG5 is on the minus strand). VCF-style: chr7-107210602-C-A. GRCh37 (hg19) VCF-style: chr7-106851047-C-A.
Other names: c.2392G>T (NM_006348.3); c.2299G>T, p.Ala767Ser (NM_001161520.2); c.2137G>T, p.Ala713Ser (NM_001379511.1); c.2125G>T, p.Ala709Ser (NM_001379512.1); c.1984G>T, p.Ala662Ser (NM_001379514.1); c.1729G>T, p.Ala577Ser (NM_001379515.1); c.1585G>T, p.Ala529Ser (NM_001379516.1); c.2236G>T, p.Ala746Ser (NM_181733.4); and 1 more; short protein forms A529S, A746S, A662S, A767S, A713S, A577S, A709S.
Identifiers: ClinVar variation 1438818 (VCV001438818.7), dbSNP rs184760203, ClinGen allele CA4430609.